The following is an entry in ClinVar:

ClinVar aggregate classification (germline): Benign (0 of 4 stars; one submission).

Conditions:
DHX34-related disorder. Also called: DHX34-related condition.

Allele frequency attached by ClinVar (database versions not stated): gnomAD exomes 0.06102; ExAC 0.08169; ESP Exome Variant Server 0.10554; gnomAD 0.10887; TOPMed 0.11814; 1000 Genomes Project 0.12161; 1000 Genomes Project 30x 0.12383.

Submission:

PreventionGenetics, part of Exact Sciences
Classification: Benign for DHX34-related condition. Last evaluated: 2019-11-06. Review status: no assertion criteria provided. Collection method: clinical testing. Allele origin: germline.
Comment: This variant is classified as benign based on ACMG/AMP sequence variant interpretation guidelines (Richards et al. 2015 PMID: 25741868, with internal and published modifications).

NM_014681.6(DHX34):c.2406G>A (p.Leu802=)

Gene: DHX34 (DExH-box helicase 34; plus strand). Cytogenetic location: 19q13.32.
Variant type: single nucleotide variant.
Coding change: c.2406G>A on transcript NM_014681.6 (MANE Select); coding-DNA position 2406, G replaced by A.
Protein change: p.Leu802=; no amino-acid change (leucine 802 retained).
Molecular consequence: synonymous variant.
Genome position (GRCh38, 1-based): chr19:47,376,022, G>A. VCF-style: chr19-47376022-G-A. GRCh37 (hg19) VCF-style: chr19-47879279-G-A.
Identifiers: ClinVar variation 3059865 (VCV003059865.2), dbSNP rs2694558, ClinGen allele CA9538480.